The following is an entry in ClinVar:

NM_145045.5(ODAD3):c.130A>C (p.Thr44Pro)

Gene: ODAD3 (outer dynein arm docking complex subunit 3; minus strand). Cytogenetic location: 19p13.2.
Variant type: single nucleotide variant.
Coding change: c.130A>C on transcript NM_145045.5 (MANE Select); coding-DNA position 130, A replaced by C.
Protein change: p.Thr44Pro; replaces threonine 44 with proline.
Molecular consequence: missense variant. On other transcripts: intron variant (1).
Genome position (GRCh38, 1-based): chr19:11,434,887, T>G on the plus strand (A>C on the coding strand, the complement: ODAD3 is on the minus strand). VCF-style: chr19-11434887-T-G. GRCh37 (hg19) VCF-style: chr19-11545708-T-G.
Other names: c.130A>C, p.Thr44Pro (NM_001302454.2); c.82+803A>C (NM_001302453.1); short protein forms T44P.
Identifiers: ClinVar variation 1682797 (VCV001682797.8), dbSNP rs2144791017, ClinGen allele CA404128378.

ClinVar aggregate classification (germline): Uncertain significance (1 of 4 stars; one submission).

Conditions:
Primary ciliary dyskinesia 30. Also called: CILIARY DYSKINESIA, PRIMARY, 30, WITH OR WITHOUT SITUS INVERSUS. Identifiers: Orphanet 244, MedGen C4015016, MONDO:0014465, OMIM 616037.

Submission:

Labcorp Genetics (formerly Invitae), Labcorp
Classification: Uncertain significance for Primary ciliary dyskinesia 30. Last evaluated: 2022-07-19. Review status: criteria provided, single submitter. Criteria: Invitae Variant Classification Sherloc (09022015). Collection method: clinical testing. Allele origin: germline.
Comment: In summary, the available evidence is currently insufficient to determine the role of this variant in disease. Therefore, it has been classified as a Variant of Uncertain Significance. Algorithms developed to predict the effect of missense changes on protein structure and function (SIFT, PolyPhen-2, Align-GVGD) all suggest that this variant is likely to be tolerated. ClinVar contains an entry for this variant (Variation ID: 1682797). This variant has not been reported in the literature in individuals affected with CCDC151-related conditions. This variant is not present in population databases (gnomAD no frequency). This sequence change replaces threonine, which is neutral and polar, with proline, which is neutral and non-polar, at codon 44 of the CCDC151 protein (p.Thr44Pro).